The following is an entry in ClinVar:

NM_057175.5(NAA15):c.460dup (p.Tyr154fs)

Gene: NAA15 (N-alpha-acetyltransferase 15, NatA auxiliary subunit; plus strand). Cytogenetic location: 4q31.1.
Variant type: Duplication.
Coding change: c.460dup on transcript NM_057175.5 (MANE Select); coding-DNA position 460, one base duplicated (T; older notation c.460dupT).
Protein change: p.Tyr154fs; shifts the reading frame from tyrosine 154.
Molecular consequence: frameshift variant.
Genome position (GRCh38, 1-based): chr4:139,342,883, T duplicated; the last of 2 consecutive T bases (chr4:139,342,882-139,342,883); duplicating either gives the same sequence. VCF-style (leftmost placement, unchanged base first): chr4-139342881-G-GT. GRCh37 (hg19) VCF-style: chr4-140264035-G-GT.
Other names: c.460dup, p.Tyr154fs (NM_001410842.1); short protein forms Y154fs.
Identifiers: ClinVar variation 4731147 (VCV004731147.1).
Genomic context (GRCh38, chr4:139,342,881, plus strand): 5'-TAAAGGAAACGAGGTATCAGTTACTTCAGCTTCGACCTGCGCAGAGAGCATCATGGATTG[G>GT]TTATGCTATTGCTTACCATTTATTAGAAGATTATGAAATGGCAGCAAAGATTTTAGAAGA-3'

ClinVar aggregate classification (germline): Pathogenic (1 of 4 stars; one submission).

Submission:

Labcorp Genetics (formerly Invitae), Labcorp
Classification: Pathogenic. Last evaluated: 2025-11-18. Review status: criteria provided, single submitter. Criteria: Invitae Variant Classification Sherloc (09022015). Collection method: clinical testing. Allele origin: germline.
Comment: This sequence change creates a premature translational stop signal (p.Tyr154Leufs*12) in the NAA15 gene. It is expected to result in an absent or disrupted protein product. Loss-of-function variants in NAA15 are known to be pathogenic (PMID: 28191889, 29656860). This variant is not present in population databases (gnomAD no frequency). This variant has not been reported in the literature in individuals affected with NAA15-related conditions. For these reasons, this variant has been classified as Pathogenic.

Literature cited by the submitters: PubMed 28191889; PubMed 29656860.